The following is an entry in ClinVar:

ClinVar aggregate classification (germline): Uncertain significance (1 of 4 stars; one submission).

gnomAD v4.1: 1 of 1,613,640 alleles (0.000062%); highest among the groups gnomAD compares: Non-Finnish European, 0.000085%; no homozygotes.

Submission:

Labcorp Genetics (formerly Invitae), Labcorp
Classification: Uncertain significance. Last evaluated: 2025-01-01. Review status: criteria provided, single submitter. Criteria: Invitae Variant Classification Sherloc (09022015). Collection method: clinical testing. Allele origin: germline.
Comment: This sequence change replaces serine, which is neutral and polar, with threonine, which is neutral and polar, at codon 565 of the HPS4 protein (p.Ser565Thr). This variant is not present in population databases (gnomAD no frequency). This variant has not been reported in the literature in individuals affected with HPS4-related conditions. An algorithm developed to predict the effect of missense changes on protein structure and function outputs the following: PolyPhen-2: "Benign". The threonine amino acid residue is found in multiple mammalian species, which suggests that this missense change does not adversely affect protein function. In summary, the available evidence is currently insufficient to determine the role of this variant in disease. Therefore, it has been classified as a Variant of Uncertain Significance.

NM_022081.6(HPS4):c.1694G>C (p.Ser565Thr)

Gene: HPS4 (HPS4 biogenesis of lysosomal organelles complex 3 subunit 2; minus strand). Cytogenetic location: 22q12.1.
Variant type: single nucleotide variant.
Coding change: c.1694G>C on transcript NM_022081.6 (MANE Select); coding-DNA position 1694, G replaced by C.
Protein change: p.Ser565Thr; replaces serine 565 with threonine.
Molecular consequence: missense variant. On other transcripts: non-coding transcript variant (8).
Genome position (GRCh38, 1-based): chr22:26,463,936, C>G on the plus strand (G>C on the coding strand, the complement: HPS4 is on the minus strand). VCF-style: chr22-26463936-C-G. GRCh37 (hg19) VCF-style: chr22-26859902-C-G.
Other names: c.1694G>C, p.Ser565Thr (NM_001349896.1, NM_001349898.2, NM_001349899.2 and 5 more transcripts); c.1748G>C, p.Ser583Thr (NM_001349900.2, NM_001349901.1); c.1679G>C, p.Ser560Thr (NM_152841.2); short protein forms S565T, S560T, S583T.
Identifiers: ClinVar variation 3679033 (VCV003679033.1).
Genomic context (GRCh38, chr22:26,463,936, plus strand): 5'-AGAGGCCGCAGAGGGGCAGGAGAAGGTCTGAGGACACTCACCACTTCCTCTATGGCTGCG[C>G]TGTCTCCCAGCAGCGGCTCCTCAGCCAGCAGGGACAGCACCAGCCCTTTGACGCAGTGAG-3'
Protein context (NP_071364.4, residues 555-575): LLAEEPLLGD[Ser565Thr]AAIEEVYHSS